The following is an entry in ClinVar:

ClinVar aggregate classification (germline): Conflicting classifications of pathogenicity. Review status: criteria provided, conflicting classifications (1 of 4 stars). 4 submissions from 4 submitters: Uncertain significance (1); Likely benign (2). 1 of the submissions does not count toward it. Last evaluated 2025-11-01.

Conditions:
KRT10-related disorder. Also called: KRT10-related condition.
Congenital reticular ichthyosiform erythroderma (IWC). Also called: ICHTHYOSIS WITH CONFETTI. Identifiers: Orphanet 281190, MedGen C3665704, MONDO:0012208, OMIM 609165.
Annular epidermolytic ichthyosis. Identifiers: Orphanet 281139, MedGen C1843463, MONDO:0011870.
Epidermolytic ichthyosis. Also called: Bullous ichthyosiform erythroderma; Epidermolytic Hyperkeratosis; KRT10-Related Epidermolytic Hyperkeratosis; Congenital bullous ichthyosiform erythroderma. Identifiers: Orphanet 312, MedGen C0079153, MONDO:0007239, HP:0007475.

Submissions (4):

Labcorp Genetics (formerly Invitae), Labcorp
Classification: Uncertain significance. Last evaluated: 2025-11-01. Review status: criteria provided, single submitter. Criteria: Invitae Variant Classification Sherloc (09022015). Collection method: clinical testing. Allele origin: germline.
Comment: This variant, c.70_72dup, results in the insertion of 1 amino acid(s) of the KRT10 protein (p.Gly24dup), but otherwise preserves the integrity of the reading frame. The frequency data for this variant in the population databases is considered unreliable, as metrics indicate poor data quality at this position in the gnomAD database. This variant has not been reported in the literature in individuals affected with KRT10-related conditions. Experimental studies and prediction algorithms are not available or were not evaluated, and the functional significance of this variant is currently unknown. In summary, the available evidence is currently insufficient to determine the role of this variant in disease. Therefore, it has been classified as a Variant of Uncertain Significance.

Fulgent Genetics
Classification: Likely benign for Epidermolytic hyperkeratosis 1; Ichthyosis, annular epidermolytic 1; Congenital reticular ichthyosiform erythroderma. Last evaluated: 2022-01-28. Review status: criteria provided, single submitter. Criteria: ACMG Guidelines, 2015. Collection method: clinical testing. Allele origin: unknown.

GeneDx
Classification: Likely benign. Last evaluated: 2019-11-05. Review status: criteria provided, single submitter. Criteria: GeneDx Variant Classification Process June 2021. Collection method: clinical testing. Allele origin: germline. Affected: yes.
Comment: Has not been previously published as pathogenic or benign to our knowledge; In-frame duplication of a Glycine residue in the variable head domain of keratin 10

PreventionGenetics, part of Exact Sciences
Classification: Likely benign for KRT10-related condition. Last evaluated: 2024-02-15. Review status: no assertion criteria provided. Collection method: clinical testing. Allele origin: germline. Not counted in ClinVar's aggregate classification.
Comment: This variant is classified as likely benign based on ACMG/AMP sequence variant interpretation guidelines (Richards et al. 2015 PMID: 25741868, with internal and published modifications).

NM_000421.5(KRT10):c.49GGA[9] (p.Gly24dup)

Genes: KRT10 (keratin 10; minus strand), KRT10-AS1 (KRT10 antisense RNA 1; plus strand). Cytogenetic location: 17q21.2.
Variant type: Microsatellite.
Coding change: c.49GGA[9] on transcript NM_000421.5 (MANE Select); nine copies in a row of the 3-base unit GGA starting at c.49; the reference has eight copies in a row; one copy, 3 bases duplicated; also written c.70_72dup.
Protein change: p.Gly24dup; duplicates glycine 24.
Molecular consequence: inframe insertion.
Genome position (GRCh38, 1-based): chr17:40,822,514-40,822,516, TCC duplicated on the plus strand (GGA on the coding strand, the reverse complement: KRT10 is on the minus strand); duplicating any 3 consecutive bases within chr17:40,822,514-40,822,537 gives the same sequence; the position shown is the placement nearest the transcript's 3' end. VCF-style (leftmost placement, unchanged base first): chr17-40822513-A-ATCC. GRCh37 (hg19) VCF-style: chr17-38978765-A-ATCC.
Other names: c.49GGA[9], p.Gly24dup (NM_001379366.1); c.70_72dup (NM_000421.5).
Identifiers: ClinVar variation 1186831 (VCV001186831.6), dbSNP rs148510452, ClinGen allele CA8548373.